The following is an entry in ClinVar:

ClinVar aggregate classification (germline): Conflicting classifications of pathogenicity. Review status: criteria provided, conflicting classifications (1 of 4 stars). 3 submissions from 3 submitters: Likely pathogenic (1); Uncertain significance (1). 1 of the submissions does not count toward it. Last evaluated 2026-09-01.

Conditions:
Hypophosphatasia. Also called: Phosphoethanol-aminuria. Identifiers: Orphanet 436, MedGen C0020630, MeSH D007014, MONDO:0018570.
Infantile hypophosphatasia. Identifiers: Orphanet 247651, Orphanet 436, MedGen C0268412, MONDO:1010169, OMIM 241500, MONDO:0009427.

Allele frequency attached by ClinVar (database versions not stated): gnomAD exomes below 0.00001.
gnomAD v4.1: 3 of 1,614,256 alleles (0.00019%); highest among the groups gnomAD compares: Non-Finnish European, 0.00025%; no homozygotes.

Submissions (3):

Genomenon, Inc
Classification: Likely pathogenic for Hypophosphatasia. Last evaluated: 2026-09-01. Review status: criteria provided, single submitter. Criteria: Genomenon Sequence Variant Interpretation Standards - Updated. Collection method: curation. Allele origin: germline. Affected: yes.
Comment: ALPL p.Glu354Asp (c.1062G>C) is a missense variant that changes the amino acid at codon 354 from Glutamic acid to Aspartic acid. This variant has been observed in at least one proband affected with an ALPL-related disorder (PMID:12230456). The variant was found to segregate with disease in at least one affected family (PMID:12230456). Functional studies have been reported (PMID:35320273). It is absent or not present at a significant frequency in gnomAD. In silico models predict that this variant is possibly or probably damaging. In conclusion, we classify ALPL p.Glu354Asp (c.1062G>C) as a likely pathogenic variant.

GeneDx
Classification: Uncertain significance. Last evaluated: 2023-07-17. Review status: criteria provided, single submitter. Criteria: GeneDx Variant Classification Process June 2021. Collection method: clinical testing. Allele origin: germline. Affected: yes.
Comment: Not observed at significant frequency in large population cohorts (gnomAD); In silico analysis supports that this missense variant does not alter protein structure/function; Has not been previously published as pathogenic or benign to our knowledge; This variant is associated with the following publications: (PMID: 25023282, 35320273, 12230456)

Counsyl
Classification: Uncertain significance for Infantile hypophosphatasia. Last evaluated: 2017-12-21. Review status: no assertion criteria provided. Collection method: clinical testing. Allele origin: unknown. Not counted in ClinVar's aggregate classification.

Literature cited by the submitters: PubMed 12230456 (cited by Genomenon, Inc and Counsyl); PubMed 35320273 (cited by Genomenon, Inc); PubMed 25023282 (cited by Counsyl).

NM_000478.6(ALPL):c.1062G>C (p.Glu354Asp)

Gene: ALPL (alkaline phosphatase, biomineralization associated; plus strand). Cytogenetic location: 1p36.12.
Variant type: single nucleotide variant.
Coding change: c.1062G>C on transcript NM_000478.6 (MANE Select); coding-DNA position 1062, G replaced by C.
Protein change: p.Glu354Asp; replaces glutamic acid 354 with aspartic acid.
Molecular consequence: missense variant.
Genome position (GRCh38, 1-based): chr1:21,575,797, G>C. VCF-style: chr1-21575797-G-C. GRCh37 (hg19) VCF-style: chr1-21902290-G-C.
Other names: c.897G>C, p.Glu299Asp (NM_001127501.4); c.831G>C, p.Glu277Asp (NM_001177520.3); c.1062G>C, p.Glu354Asp (NM_001369803.2, NM_001369804.2, NM_001369805.2); short protein forms E354D, E277D, E299D.
Identifiers: ClinVar variation 555784 (VCV000555784.4), dbSNP rs1553414568, ClinGen allele CA338881148.
Genomic context (GRCh38, chr1:21,575,797, plus strand): 5'-CAGAATTGACCACGGGCACCATGAAGGAAAAGCCAAGCAGGCCCTGCATGAGGCGGTGGA[G>C]ATGGACCGGGCCATCGGGCAGGCAGGCAGCTTGACCTCCTCGGAAGACACTCTGACCGTG-3'
Protein context (NP_000469.3, residues 344-364): KAKQALHEAV[Glu354Asp]MDRAIGQAGS